The following is an entry in ClinVar:

NM_001384474.1(LOXHD1):c.5514G>A (p.Glu1838=)

Gene: LOXHD1 (lipoxygenase homology PLAT domains 1; minus strand). Cytogenetic location: 18q21.1.
Variant type: single nucleotide variant.
Coding change: c.5514G>A on transcript NM_001384474.1 (MANE Select); coding-DNA position 5514, G replaced by A.
Protein change: p.Glu1838=; no amino-acid change (glutamic acid 1838 retained).
Molecular consequence: synonymous variant.
Genome position (GRCh38, 1-based): chr18:46,509,701, C>T on the plus strand (G>A on the coding strand, the complement: LOXHD1 is on the minus strand). VCF-style: chr18-46509701-C-T. GRCh37 (hg19) VCF-style: chr18-44089664-C-T.
Other names: c.2181G>A, p.Glu727= (NM_001145472.3); c.231G>A, p.Glu77= (NM_001145473.3, NM_001173129.2); c.1893G>A, p.Glu631= (NM_001308013.2); c.5328G>A, p.Glu1776= (NM_144612.7).
Identifiers: ClinVar variation 282748 (VCV000282748.20), dbSNP rs749182319, ClinGen allele CA8952187.

ClinVar aggregate classification (germline): Conflicting classifications of pathogenicity. Review status: criteria provided, conflicting classifications (1 of 4 stars). 4 submissions from 4 submitters: Uncertain significance (2); Likely benign (1). 1 of the submissions does not count toward it. Last evaluated 2026-01-18.

Conditions:
Autosomal recessive nonsyndromic hearing loss 77. Identifiers: Orphanet 90636, MedGen C2746083, MONDO:0013119, OMIM 613079.

Allele frequency attached by ClinVar (database versions not stated): gnomAD 0.00009; TOPMed 0.00010; gnomAD exomes 0.00011 and 0.00015; ExAC 0.00013.
gnomAD v4.1: 172 of 1,550,710 alleles (0.011%); highest among the groups gnomAD compares: South Asian, 0.018%; no homozygotes.

Submissions (4):

Labcorp Genetics (formerly Invitae), Labcorp
Classification: Likely benign. Last evaluated: 2026-01-18. Review status: criteria provided, single submitter. Criteria: Invitae Variant Classification Sherloc (09022015). Collection method: clinical testing. Allele origin: germline.

Laboratory for Molecular Medicine, Mass General Brigham Personalized Medicine
Classification: Uncertain significance. Last evaluated: 2017-11-22. Review status: criteria provided, single submitter. Criteria: LMM Criteria. Collection method: clinical testing. Allele origin: germline. Observed: 1 variant allele.
Comment: Variant classified as Uncertain Significance - Favor Benign. The p.Glu1776Glu v ariant in LOXHD1 has not been previously reported in individuals with hearing lo ss, but has been identified in 5/24794 Latino chromosomes by the Genome Aggregat ion Database (gnomAD; dbSNP rs749182319). Alth ough this variant has been seen in the general population, its frequency is not high enough to rule out a pathogenic role. It has also been reported in ClinVar (Variation ID: 282748). The variant does not alter an amino acid residue and is not located within the splice consensus sequence; however, this information is n ot sufficient to rule out an impact to splicing or expression of the gene. In su mmary, while the clinical significance of the p.Glu1776Glu variant is uncertain, these data suggest that it is more likely to be benign. ACMG/AMP Criteria appli ed: PM2, BP7.

Eurofins Ntd Llc (ga)
Classification: Uncertain significance. Last evaluated: 2015-09-14. Review status: criteria provided, single submitter. Criteria: EGL Classification Definitions 2015. Collection method: clinical testing. Allele origin: germline. Observed: 1 variant allele, 1 heterozygote.

Natera, Inc.
Classification: Uncertain significance for Autosomal recessive deafness type 77. Last evaluated: 2020-01-24. Review status: no assertion criteria provided. Collection method: clinical testing. Allele origin: germline. Not counted in ClinVar's aggregate classification.